The following is an entry in ClinVar:

ClinVar aggregate classification (germline): Uncertain significance (1 of 4 stars; one submission).

Conditions:
Dilated cardiomyopathy 1HH (CMD1HH). Identifiers: Orphanet 154, MedGen C3151293, MONDO:0013479, OMIM 613881.
Myofibrillar myopathy 6. Identifiers: Orphanet 199340, MedGen C2751831, MONDO:0013061, OMIM 612954.

Submission:

Labcorp Genetics (formerly Invitae), Labcorp
Classification: Uncertain significance for Dilated cardiomyopathy 1HH; Myofibrillar myopathy 6. Last evaluated: 2025-02-04. Review status: criteria provided, single submitter. Criteria: Invitae Variant Classification Sherloc (09022015). Collection method: clinical testing. Allele origin: germline.
Comment: This sequence change replaces histidine, which is basic and polar, with aspartic acid, which is acidic and polar, at codon 232 of the BAG3 protein (p.His232Asp). This variant is not present in population databases (gnomAD no frequency). This variant has not been reported in the literature in individuals affected with BAG3-related conditions. ClinVar contains an entry for this variant (Variation ID: 1361344). Invitae Evidence Modeling of protein sequence and biophysical properties (such as structural, functional, and spatial information, amino acid conservation, physicochemical variation, residue mobility, and thermodynamic stability) indicates that this missense variant is not expected to disrupt BAG3 protein function with a negative predictive value of 80%. In summary, the available evidence is currently insufficient to determine the role of this variant in disease. Therefore, it has been classified as a Variant of Uncertain Significance.

NM_004281.4(BAG3):c.694C>G (p.His232Asp)

Gene: BAG3 (BAG cochaperone 3; plus strand). Cytogenetic location: 10q26.11.
Variant type: single nucleotide variant.
Coding change: c.694C>G on transcript NM_004281.4 (MANE Select); coding-DNA position 694, C replaced by G.
Protein change: p.His232Asp; replaces histidine 232 with aspartic acid.
Molecular consequence: missense variant.
Genome position (GRCh38, 1-based): chr10:119,672,441, C>G. VCF-style: chr10-119672441-C-G. GRCh37 (hg19) VCF-style: chr10-121431953-C-G.
Other names: short protein forms H232D.
Identifiers: ClinVar variation 1361344 (VCV001361344.8), dbSNP rs2134065202, ClinGen allele CA378295604.